The following is an entry in ClinVar:

NM_020975.6(RET):c.1258G>A (p.Ala420Thr)

Gene: RET (ret proto-oncogene; plus strand). Cytogenetic location: 10q11.21.
Variant type: single nucleotide variant.
Coding change: c.1258G>A on transcript NM_020975.6 (MANE Select); coding-DNA position 1258, G replaced by A.
Protein change: p.Ala420Thr; replaces alanine 420 with threonine.
Molecular consequence: missense variant.
Genome position (GRCh38, 1-based): chr10:43,109,225, G>A. VCF-style: chr10-43109225-G-A. GRCh37 (hg19) VCF-style: chr10-43604673-G-A.
Other names: c.532G>A, p.Ala178Thr (NM_001406777.1, NM_001406778.1, NM_001406775.1 and 1 more transcripts); c.268G>A, p.Ala90Thr (NM_001406784.1); c.1258G>A, p.Ala420Thr (NM_020630.7, NM_020629.2, NM_000323.2 and 6 more transcripts); c.496G>A, p.Ala166Thr (NM_001355216.2); c.1129G>A, p.Ala377Thr (NM_001406761.1, NM_001406762.1, NM_001406764.1 and 1 more transcripts); c.970G>A, p.Ala324Thr (NM_001406766.1, NM_001406767.1, NM_001406770.1); c.820G>A, p.Ala274Thr (NM_001406771.1, NM_001406773.1); short protein forms A377T, A178T, A274T, A90T, A324T, A420T, A166T.
Identifiers: ClinVar variation 1762391 (VCV001762391.7), dbSNP rs769548635, ClinGen allele CA032320.

ClinVar aggregate classification (germline): Uncertain significance. Review status: criteria provided, multiple submitters, no conflicts (2 of 4 stars). 2 submissions from 2 submitters: Uncertain significance (2). Last evaluated 2025-01-22.

Conditions:
Multiple endocrine neoplasia, type 2 (MEN2). Identifiers: Orphanet 653, MedGen C4048306, MONDO:0019003. Disease mechanism: gain of function.
Hereditary cancer-predisposing syndrome. Also called: Neoplastic Syndromes, Hereditary; Tumor predisposition; Hereditary Cancer Syndrome; Hereditary neoplastic syndrome. Identifiers: Orphanet 140162, MedGen C0027672, MeSH D009386, MONDO:0015356.

Allele frequency attached by ClinVar (database versions not stated): ExAC 0.00001.
gnomAD v4.1: 2 of 1,612,544 alleles (0.00012%); highest among the groups gnomAD compares: Non-Finnish European, 0.00017%; no homozygotes.

Submissions (2):

Labcorp Genetics (formerly Invitae), Labcorp
Classification: Uncertain significance for Multiple endocrine neoplasia, type 2. Last evaluated: 2025-01-22. Review status: criteria provided, single submitter. Criteria: Invitae Variant Classification Sherloc (09022015). Collection method: clinical testing. Allele origin: germline.
Comment: This sequence change replaces alanine, which is neutral and non-polar, with threonine, which is neutral and polar, at codon 420 of the RET protein (p.Ala420Thr). This variant is present in population databases (rs769548635, gnomAD 0.0009%). This variant has not been reported in the literature in individuals affected with RET-related conditions. ClinVar contains an entry for this variant (Variation ID: 1762391). An algorithm developed to predict the effect of missense changes on protein structure and function (PolyPhen-2) suggests that this variant is likely to be disruptive. In summary, the available evidence is currently insufficient to determine the role of this variant in disease. Therefore, it has been classified as a Variant of Uncertain Significance.

Ambry Genetics
Classification: Uncertain significance for Hereditary cancer-predisposing syndrome. Last evaluated: 2021-08-19. Review status: criteria provided, single submitter. Criteria: Ambry Variant Classification Scheme 2023. Collection method: clinical testing. Allele origin: germline.
Comment: The p.A420T variant (also known as c.1258G>A), located in coding exon 6 of the RET gene, results from a G to A substitution at nucleotide position 1258. The alanine at codon 420 is replaced by threonine, an amino acid with similar properties. This amino acid position is highly conserved in available vertebrate species. In addition, the in silico prediction for this alteration is inconclusive. Since supporting evidence is limited at this time, the clinical significance of this alteration remains unclear.